The following is an entry in ClinVar:

NM_198076.6(COX20):c.310A>G (p.Thr104Ala)

Gene: COX20 (cytochrome c oxidase assembly factor COX20; plus strand). Cytogenetic location: 1q44.
Variant type: single nucleotide variant.
Coding change: c.310A>G on transcript NM_198076.6 (MANE Select); coding-DNA position 310, A replaced by G.
Protein change: p.Thr104Ala; replaces threonine 104 with alanine.
Molecular consequence: missense variant. On other transcripts: 3 prime UTR variant (1), non-coding transcript variant (3).
Genome position (GRCh38, 1-based): chr1:244,843,129, A>G. VCF-style: chr1-244843129-A-G. GRCh37 (hg19) VCF-style: chr1-245006431-A-G.
Other names: c.310A>G, p.Thr104Ala (NM_001312871.1); c.346A>G, p.Thr116Ala (NM_001312872.1); c.175A>G, p.Thr59Ala (NM_001312873.1); c.*120A>G (NM_001312874.1); short protein forms T116A, T59A, T104A.
Identifiers: ClinVar variation 2112929 (VCV002112929.1), dbSNP rs2527473946, ClinGen allele CA345485457.

ClinVar aggregate classification (germline): Uncertain significance (1 of 4 stars; one submission).

Submission:

Labcorp Genetics (formerly Invitae), Labcorp
Classification: Uncertain significance. Last evaluated: 2022-03-16. Review status: criteria provided, single submitter. Criteria: Invitae Variant Classification Sherloc (09022015). Collection method: clinical testing. Allele origin: germline.
Comment: This sequence change replaces threonine, which is neutral and polar, with alanine, which is neutral and non-polar, at codon 104 of the COX20 protein (p.Thr104Ala). This variant is not present in population databases (gnomAD no frequency). This variant has not been reported in the literature in individuals affected with COX20-related conditions. Algorithms developed to predict the effect of missense changes on protein structure and function are either unavailable or do not agree on the potential impact of this missense change (SIFT: "Deleterious"; PolyPhen-2: "Possibly Damaging"; Align-GVGD: "Class C0"). In summary, the available evidence is currently insufficient to determine the role of this variant in disease. Therefore, it has been classified as a Variant of Uncertain Significance.